The following is an entry in ClinVar:

NM_007335.4(DLEC1):c.2526G>A (p.Ser842=)

Gene: DLEC1 (DLEC1 cilia and flagella associated protein; plus strand). Cytogenetic location: 3p22.2.
Variant type: single nucleotide variant.
Coding change: c.2526G>A on transcript NM_007335.4 (MANE Select); coding-DNA position 2526, G replaced by A.
Protein change: p.Ser842=; no amino-acid change (serine 842 retained).
Molecular consequence: synonymous variant.
Genome position (GRCh38, 1-based): chr3:38,097,598, G>A. VCF-style: chr3-38097598-G-A. GRCh37 (hg19) VCF-style: chr3-38139089-G-A.
Other names: c.2526G>A, p.Ser842= (NM_001321153.2, NM_007337.4).
Identifiers: ClinVar variation 4871992 (VCV004871992.2).

ClinVar aggregate classification (germline): Benign (1 of 4 stars; one submission).

gnomAD v4.1: 20,704 of 1,614,134 alleles (1.3%); highest among the groups gnomAD compares: Middle Eastern, 2.7%; 201 homozygotes.

Submission:

CeGaT Center for Human Genetics Tuebingen
Classification: Benign. Last evaluated: 2026-06-01. Review status: criteria provided, single submitter. Criteria: CeGaT Center For Human Genetics Tuebingen Variant Classification Criteria Version 2. Collection method: clinical testing. Allele origin: germline. Affected: yes. Observed: 1 variant allele.
Comment: DLEC1: BP4, BP7, BS1, BS2